The following is an entry in ClinVar:

NM_052844.4(DYNC2I2):c.424CAG[4] (p.Gln144dup)

Gene: DYNC2I2 (dynein 2 intermediate chain 2; minus strand). Cytogenetic location: 9q34.11.
Variant type: Microsatellite.
Coding change: c.424CAG[4] on transcript NM_052844.4 (MANE Select); four copies in a row of the 3-base unit CAG starting at c.424; the reference has three copies in a row; one copy, 3 bases duplicated.
Protein change: p.Gln144dup; duplicates glutamine 144.
Molecular consequence: inframe insertion.
Genome position (GRCh38, 1-based): chr9:128,640,694-128,640,696, CTG duplicated on the plus strand (CAG on the coding strand, the reverse complement: DYNC2I2 is on the minus strand); duplicating any 3 consecutive bases within chr9:128,640,694-128,640,704 gives the same sequence; the position shown is the placement nearest the transcript's 3' end. VCF-style (leftmost placement, unchanged base first): chr9-128640693-T-TCTG. GRCh37 (hg19) VCF-style: chr9-131402972-T-TCTG.
Identifiers: ClinVar variation 1681246 (VCV001681246.6), dbSNP rs2132155546, ClinGen allele CA2580617106.

ClinVar aggregate classification (germline): Uncertain significance (1 of 4 stars; one submission).

Conditions:
Short-rib thoracic dysplasia 11 with or without polydactyly (SRTD11). Also called: SHORT-RIB THORACIC DYSPLASIA 11 WITHOUT POLYDACTYLY. Identifiers: Orphanet 474, Orphanet 93271, MedGen C3810200, MONDO:0014287, OMIM 615633.

Submission:

Labcorp Genetics (formerly Invitae), Labcorp
Classification: Uncertain significance for Short-rib thoracic dysplasia 11 with or without polydactyly. Last evaluated: 2024-11-11. Review status: criteria provided, single submitter. Criteria: Invitae Variant Classification Sherloc (09022015). Collection method: clinical testing. Allele origin: germline.
Comment: This variant, c.430_432dup, results in the insertion of 1 amino acid(s) of the WDR34 protein (p.Gln144dup), but otherwise preserves the integrity of the reading frame. This variant is not present in population databases (gnomAD no frequency). This variant has not been reported in the literature in individuals affected with WDR34-related conditions. Experimental studies and prediction algorithms are not available or were not evaluated, and the functional significance of this variant is currently unknown. In summary, the available evidence is currently insufficient to determine the role of this variant in disease. Therefore, it has been classified as a Variant of Uncertain Significance.